The following is an entry in ClinVar:

ClinVar aggregate classification (germline): Uncertain significance (1 of 4 stars; one submission).

Conditions:
CREBBP-related disorder. Also called: CREBBP-related condition; CREBBP-related disorders.

Submission:

PreventionGenetics, part of Exact Sciences
Classification: Uncertain significance for CREBBP-related condition. Last evaluated: 2024-12-10. Review status: criteria provided, single submitter. Criteria: ACMG Guidelines, 2015. Collection method: clinical testing. Allele origin: germline.
Comment: The CREBBP c.6935A>T variant is predicted to result in the amino acid substitution p.Asn2312Ile. To our knowledge, this variant has not been reported in the literature or in a large population database (gnomAD), indicating this variant is rare. At this time, the clinical significance of this variant is uncertain due to the absence of conclusive functional and genetic evidence.

NM_004380.3(CREBBP):c.6935A>T (p.Asn2312Ile)

Gene: CREBBP (CREB binding lysine acetyltransferase; minus strand). Cytogenetic location: 16p13.3.
Variant type: single nucleotide variant.
Coding change: c.6935A>T on transcript NM_004380.3 (MANE Select); coding-DNA position 6935, A replaced by T.
Protein change: p.Asn2312Ile; replaces asparagine 2312 with isoleucine.
Molecular consequence: missense variant.
Genome position (GRCh38, 1-based): chr16:3,728,112, T>A on the plus strand (A>T on the coding strand, the complement: CREBBP is on the minus strand). VCF-style: chr16-3728112-T-A. GRCh37 (hg19) VCF-style: chr16-3778113-T-A.
Other names: c.6821A>T, p.Asn2274Ile (NM_001079846.1); short protein forms N2274I, N2312I.
Identifiers: ClinVar variation 4997918 (VCV004997918.1).